The following is an entry in ClinVar:

ClinVar aggregate classification (germline): Uncertain significance. Review status: criteria provided, multiple submitters, no conflicts (2 of 4 stars). 3 submissions from 3 submitters: Uncertain significance (2). 1 of the submissions does not count toward it. Last evaluated 2024-08-05.

Conditions:
Alstrom syndrome (ALMS). Identifiers: Orphanet 64, MedGen C0268425, MONDO:0008763, OMIM 203800.
Occult maculopathy.

Allele frequency attached by ClinVar (database versions not stated): gnomAD exomes below 0.00001 and 0.00002; ExAC 0.00002.
gnomAD v4.1: 6 of 1,614,034 alleles (0.00037%); highest among the groups gnomAD compares: Middle Eastern, 0.016%; no homozygotes.

Submissions (3):

Labcorp Genetics (formerly Invitae), Labcorp
Classification: Uncertain significance for Alstrom syndrome. Last evaluated: 2024-08-05. Review status: criteria provided, single submitter. Criteria: Invitae Variant Classification Sherloc (09022015). Collection method: clinical testing. Allele origin: germline.
Comment: This sequence change replaces lysine, which is basic and polar, with glutamic acid, which is acidic and polar, at codon 419 of the ALMS1 protein (p.Lys419Glu). This variant is present in population databases (rs760066942, gnomAD 0.004%). This variant has not been reported in the literature in individuals affected with ALMS1-related conditions. ClinVar contains an entry for this variant (Variation ID: 977943). Experimental studies and prediction algorithms are not available or were not evaluated, and the functional significance of this variant is currently unknown. In summary, the available evidence is currently insufficient to determine the role of this variant in disease. Therefore, it has been classified as a Variant of Uncertain Significance.

Fulgent Genetics
Classification: Uncertain significance for Alstrom syndrome. Last evaluated: 2021-10-07. Review status: criteria provided, single submitter. Criteria: ACMG Guidelines, 2015. Collection method: clinical testing. Allele origin: unknown.

Laboratory of Genetics in Ophthalmology, Institut Imagine
Classification: Uncertain significance for Occult maculopathy. Review status: no assertion criteria provided. Collection method: research. Allele origin: inherited. Affected: yes. Observed: 1 variant allele. Not counted in ClinVar's aggregate classification.

NM_001378454.1(ALMS1):c.1252A>G (p.Lys418Glu)

Gene: ALMS1 (ALMS1 centrosome and basal body associated protein; plus strand). Cytogenetic location: 2p13.1.
Variant type: single nucleotide variant.
Coding change: c.1252A>G on transcript NM_001378454.1 (MANE Select); coding-DNA position 1252, A replaced by G.
Protein change: p.Lys418Glu; replaces lysine 418 with glutamic acid.
Molecular consequence: missense variant.
Genome position (GRCh38, 1-based): chr2:73,426,467, A>G. VCF-style: chr2-73426467-A-G. GRCh37 (hg19) VCF-style: chr2-73653595-A-G.
Other names: c.1255A>G, p.Lys419Glu (NM_015120.4); short protein forms K418E, K419E.
Identifiers: ClinVar variation 977943 (VCV000977943.4), dbSNP rs760066942, ClinGen allele CA1713099.
Genomic context (GRCh38, chr2:73,426,467, plus strand): 5'-AGTTTTACTATACATACAATTATGCAAAATGACTCCTATTTTGTAGAGGGCCTGCAGGGG[A>G]AGGTTGAGTCTGACGTCATTACTCTGGATGGCCTAAATGAAAATGCTGTTGTATGCAGTG-3'
Protein context (NP_001365383.1, residues 408-428): ETYLTKGLQG[Lys418Glu]VESDVITLDG